The following is an entry in ClinVar:

NM_017649.5(CNNM2):c.274G>A (p.Ala92Thr)

Gene: CNNM2 (cyclin and CBS domain divalent metal cation transport mediator 2; plus strand). Cytogenetic location: 10q24.32.
Variant type: single nucleotide variant.
Coding change: c.274G>A on transcript NM_017649.5 (MANE Select); coding-DNA position 274, G replaced by A.
Protein change: p.Ala92Thr; replaces alanine 92 with threonine.
Molecular consequence: missense variant.
Genome position (GRCh38, 1-based): chr10:102,918,754, G>A. VCF-style: chr10-102918754-G-A. GRCh37 (hg19) VCF-style: chr10-104678511-G-A.
Other names: c.274G>A, p.Ala92Thr (NM_199076.3, NM_199077.3); short protein forms A92T.
Identifiers: ClinVar variation 3494414 (VCV003494414.4).
Genomic context (GRCh38, chr10:102,918,754, plus strand): 5'-ACGGTGATCATCGGGCTGCGACTGGAGGACACGAACGACGTGTCGTTCATGGAAGGGGGG[G>A]CGCTGCGGGTGAGCGAACGGACCCGGGTCAAGCTGCGGGTGTACGGGCAGAACATCAATA-3'
Protein context (NP_060119.3, residues 82-102): TNDVSFMEGG[Ala92Thr]LRVSERTRVK

ClinVar aggregate classification (germline): Uncertain significance. Review status: criteria provided, multiple submitters, no conflicts (2 of 4 stars). 3 submissions from 3 submitters: Uncertain significance (3). Last evaluated 2024-12-24.

Conditions:
Inborn genetic diseases. Identifiers: MedGen C0950123, MeSH D030342.
Renal hypomagnesemia 6. Identifiers: Orphanet 34527, MedGen C3151295, MONDO:0013480, OMIM 613882.
Hypomagnesemia, seizures, and impaired intellectual development 1. Also called: Hypomagnesemia, seizures, and intellectual disability 1. Identifiers: Orphanet 34527, MedGen C4225333, MONDO:0020787, OMIM 616418.

gnomAD v4.1: 42 of 1,592,214 alleles (0.0026%); highest among the groups gnomAD compares: South Asian, 0.0057%; no homozygotes.

Submissions (3):

Labcorp Genetics (formerly Invitae), Labcorp
Classification: Uncertain significance. Last evaluated: 2024-12-24. Review status: criteria provided, single submitter. Criteria: Invitae Variant Classification Sherloc (09022015). Collection method: clinical testing. Allele origin: germline.
Comment: This sequence change replaces alanine, which is neutral and non-polar, with threonine, which is neutral and polar, at codon 92 of the CNNM2 protein (p.Ala92Thr). The frequency data for this variant in the population databases is considered unreliable, as metrics indicate poor data quality at this position in the gnomAD database. This variant has not been reported in the literature in individuals affected with CNNM2-related conditions. Invitae Evidence Modeling of protein sequence and biophysical properties (such as structural, functional, and spatial information, amino acid conservation, physicochemical variation, residue mobility, and thermodynamic stability) indicates that this missense variant is not expected to disrupt CNNM2 protein function with a negative predictive value of 80%. In summary, the available evidence is currently insufficient to determine the role of this variant in disease. Therefore, it has been classified as a Variant of Uncertain Significance.

Ambry Genetics
Classification: Uncertain significance for Inborn genetic diseases. Last evaluated: 2024-12-04. Review status: criteria provided, single submitter. Criteria: Ambry Variant Classification Scheme 2023. Collection method: clinical testing. Allele origin: germline.

Fulgent Genetics
Classification: Uncertain significance for Renal hypomagnesemia 6; Hypomagnesemia, seizures, and impaired intellectual development 1. Last evaluated: 2024-05-02. Review status: criteria provided, single submitter. Criteria: ACMG Guidelines, 2015. Collection method: clinical testing. Allele origin: germline.